The following is an entry in ClinVar:

ClinVar aggregate classification (germline): Likely benign (1 of 4 stars; one submission).

gnomAD v4.1: 4 of 1,589,088 alleles (0.00025%); highest among the groups gnomAD compares: Non-Finnish European, 0.00034%; no homozygotes.

Submission:

Molecular Diagnostic Laboratory for Inherited Cardiovascular Disease, Montreal Heart Institute
Classification: Likely benign. Last evaluated: 2026-03-27. Review status: criteria provided, single submitter. Criteria: ACMG Guidelines, 2015. Collection method: clinical testing. Allele origin: germline. Affected: no.
Comment: BP1

NM_001267550.2(TTN):c.61484G>T (p.Arg20495Leu)

Genes: TTN-AS1 (TTN antisense RNA 1; plus strand), TTN (titin; minus strand). Cytogenetic location: 2q31.2.
Variant type: single nucleotide variant.
Coding change: c.61484G>T on transcript NM_001267550.2 (MANE Select); coding-DNA position 61484, G replaced by T.
Protein change: p.Arg20495Leu; replaces arginine 20495 with leucine.
Molecular consequence: missense variant.
Genome position (GRCh38, 1-based): chr2:178,590,241, C>A on the plus strand (G>T on the coding strand, the complement: TTN is on the minus strand). VCF-style: chr2-178590241-C-A. GRCh37 (hg19) VCF-style: chr2-179454968-C-A.
Other names: c.56561G>T, p.Arg18854Leu (NM_001256850.1); c.34289G>T, p.Arg11430Leu (NM_003319.4); c.53780G>T, p.Arg17927Leu (NM_133378.4); c.34664G>T, p.Arg11555Leu (NM_133432.3); c.34865G>T, p.Arg11622Leu (NM_133437.4); short protein forms R11430L, R11555L, R11622L, R17927L, R18854L, R20495L.
Identifiers: ClinVar variation 4820456 (VCV004820456.1), dbSNP rs775137607.